The following is an entry in ClinVar:

NM_020158.4(EXOSC5):c.338G>A (p.Arg113His)

Gene: EXOSC5 (exosome component 5; minus strand). Cytogenetic location: 19q13.2.
Variant type: single nucleotide variant.
Coding change: c.338G>A on transcript NM_020158.4 (MANE Select); coding-DNA position 338, G replaced by A.
Protein change: p.Arg113His; replaces arginine 113 with histidine.
Molecular consequence: missense variant.
Genome position (GRCh38, 1-based): chr19:41,391,887, C>T on the plus strand (G>A on the coding strand, the complement: EXOSC5 is on the minus strand). VCF-style: chr19-41391887-C-T. GRCh37 (hg19) VCF-style: chr19-41897792-C-T.
Other names: short protein forms R113H.
Identifiers: ClinVar variation 1800881 (VCV001800881.1), dbSNP rs752487650, ClinGen allele CA9460798.

ClinVar aggregate classification (germline): Uncertain significance (1 of 4 stars; one submission).

Allele frequency attached by ClinVar (database versions not stated): TOPMed below 0.00001; ExAC 0.00001; gnomAD 0.00001; gnomAD exomes 0.00001.

Submission:

GeneDx
Classification: Uncertain significance. Last evaluated: 2022-05-27. Review status: criteria provided, single submitter. Criteria: GeneDx Variant Classification Process June 2021. Collection method: clinical testing. Allele origin: germline. Affected: yes.
Comment: Not observed at significant frequency in large population cohorts (gnomAD); In silico analysis supports that this missense variant has a deleterious effect on protein structure/function; Has not been previously published as pathogenic or benign to our knowledge